The following is an entry in ClinVar:

ClinVar aggregate classification (germline): Uncertain significance. Review status: criteria provided, multiple submitters, no conflicts (2 of 4 stars). 3 submissions from 3 submitters: Uncertain significance (3). Last evaluated 2025-12-16.

Conditions:
Inborn genetic diseases. Identifiers: MedGen C0950123, MeSH D030342.

Allele frequency attached by ClinVar (database versions not stated): gnomAD exomes below 0.00001.
gnomAD v4.1: 2 of 1,209,702 alleles (0.00017%); highest among the groups gnomAD compares: Non-Finnish European, 0.00011%; no homozygotes.

Submissions (3):

Ambry Genetics
Classification: Uncertain significance for Inborn genetic diseases. Last evaluated: 2025-12-16. Review status: criteria provided, single submitter. Criteria: Ambry Variant Classification Scheme 2023. Collection method: clinical testing. Allele origin: germline.

Dasa
Classification: Uncertain significance. Last evaluated: 2025-04-29. Review status: criteria provided, single submitter. Criteria: DASA Assertion Criteria. Collection method: clinical testing. Allele origin: germline.
Comment: NM_000444.6(PHEX):c.1111G>A (p.Val371Ile) is a missense variant that results in the substitution of valine with isoleucine. Multiple computational predictions suggest no deleterious effect on the gene or gene product. The variant is present at low frequency in population datasets. Based on the available data, this variant is classified as variant of uncertain significance.

Labcorp Genetics (formerly Invitae), Labcorp
Classification: Uncertain significance. Last evaluated: 2024-07-29. Review status: criteria provided, single submitter. Criteria: Invitae Variant Classification Sherloc (09022015). Collection method: clinical testing. Allele origin: germline.
Comment: This sequence change replaces valine, which is neutral and non-polar, with isoleucine, which is neutral and non-polar, at codon 371 of the PHEX protein (p.Val371Ile). This variant is not present in population databases (gnomAD no frequency). This variant has not been reported in the literature in individuals affected with PHEX-related conditions. Advanced modeling of protein sequence and biophysical properties (such as structural, functional, and spatial information, amino acid conservation, physicochemical variation, residue mobility, and thermodynamic stability) has been performed at Invitae for this missense variant, however the output from this modeling did not meet the statistical confidence thresholds required to predict the impact of this variant on PHEX protein function. In summary, the available evidence is currently insufficient to determine the role of this variant in disease. Therefore, it has been classified as a Variant of Uncertain Significance.

NM_000444.6(PHEX):c.1111G>A (p.Val371Ile)

Gene: PHEX (phosphate regulating endopeptidase X-linked; plus strand). Cytogenetic location: Xp22.11.
Variant type: single nucleotide variant.
Coding change: c.1111G>A on transcript NM_000444.6 (MANE Select); coding-DNA position 1111, G replaced by A.
Protein change: p.Val371Ile; replaces valine 371 with isoleucine.
Molecular consequence: missense variant.
Genome position (GRCh38, 1-based): chrX:22,111,498, G>A. VCF-style: chrX-22111498-G-A. GRCh37 (hg19) VCF-style: chrX-22129616-G-A.
Other names: c.1111G>A, p.Val371Ile (NM_001282754.2); c.1111G>A (NM_000444.4); short protein forms V371I.
Identifiers: ClinVar variation 2975556 (VCV002975556.5), dbSNP rs759015845, ClinGen allele CA327523392.
Genomic context (GRCh38, chrX:22,111,498, plus strand): 5'-AATAAATGGGCATCTCTCTCTGTTAACAGGACCATTGCCAACTATTTGGTGTGGAGAATG[G>A]TTTATTCCAGAATTCCAAACCTTAGCAGGCGCTTTCAGTATAGATGGCTGGAATTCTCAA-3'
Protein context (NP_000435.3, residues 361-381): TIANYLVWRM[Val371Ile]YSRIPNLSRR